The following is an entry in ClinVar:

ClinVar aggregate classification (germline): Uncertain significance (0 of 4 stars; one submission).

Allele frequency attached by ClinVar (database versions not stated): TOPMed below 0.00001; gnomAD 0.00001; gnomAD exomes 0.00001; ESP Exome Variant Server 0.00008.

Submission:

Department of Pathology and Laboratory Medicine, Sinai Health System
Classification: Uncertain significance. Review status: no assertion criteria provided. Collection method: clinical testing. Allele origin: unknown. Affected: yes. Study: The Canadian Open Genetics Repository (COGR).
Comment: The WNK4 p.Ser259Leu variant was not identified in the literature nor was it identified in ClinVar, Cosmic or LOVD 3.0. The variant was identified in dbSNP (ID: rs138156012). However, it was not identified in the following control databases: the 1000 Genomes Project, the NHLBI GO Exome Sequencing Project, the Exome Aggregation Consortium (August 8th 2016), or the Genome Aggregation Database (Feb 27, 2017). The variant occurs outside of the splicing consensus sequence and in silico or computational prediction software programs (SpliceSiteFinder, MaxEntScan, NNSPLICE, GeneSplicer) do not predict a difference in splicing. The p.Ser259 residue is conserved across mammals and other organisms, and four out of five computational analyses (PolyPhen-2, SIFT, BLOSUM, MutationTaster) suggest that the S variant may impact the protein; however, this information is not predictive enough to assume pathogenicity. In summary, based on the above information the clinical significance of this variant cannot be determined with certainty at this time. This variant is classified as a variant of uncertain significance.

NM_032387.5(WNK4):c.776C>T (p.Ser259Leu)

Gene: WNK4 (WNK lysine deficient protein kinase 4; plus strand). Cytogenetic location: 17q21.2.
Variant type: single nucleotide variant.
Coding change: c.776C>T on transcript NM_032387.5 (MANE Select); coding-DNA position 776, C replaced by T.
Protein change: p.Ser259Leu; replaces serine 259 with leucine.
Molecular consequence: missense variant. On other transcripts: 5 prime UTR variant (1).
Genome position (GRCh38, 1-based): chr17:42,782,915, C>T. VCF-style: chr17-42782915-C-T. GRCh37 (hg19) VCF-style: chr17-40934933-C-T.
Other names: c.-144C>T (NM_001321299.2); short protein forms S259L.
Identifiers: ClinVar variation 1049784 (VCV001049784.1), dbSNP rs138156012, ClinGen allele CA290781255.
Genomic context (GRCh38, chr17:42,782,915, plus strand): 5'-CGTGGAAGTCGGTGCTGAGGGGCCAGGTTTGCATCGTGCTGGTCACCGAACTCATGACCT[C>T]GGGCACGCTCAAGACGTGAGCTCTGCGCATGAGTGGGTGGGGAGAGGGAGGCTGGGATGT-3'
Protein context (NP_115763.2, residues 249-269): CIVLVTELMT[Ser259Leu]GTLKTYLRRF